The following is an entry in ClinVar:

ClinVar aggregate classification (germline): Likely benign (0 of 4 stars; one submission).

Conditions:
TRPV5-related disorder. Also called: TRPV5-related condition.

Allele frequency attached by ClinVar (database versions not stated): gnomAD 0.00012; 1000 Genomes Project 30x 0.00062; 1000 Genomes Project 0.00080.
gnomAD v4.1: 113 of 1,614,226 alleles (0.007%); highest among the groups gnomAD compares: East Asian, 0.13%; 1 homozygote.

Submission:

PreventionGenetics, part of Exact Sciences
Classification: Likely benign for TRPV5-related condition. Last evaluated: 2023-01-03. Review status: no assertion criteria provided. Collection method: clinical testing. Allele origin: germline.
Comment: This variant is classified as likely benign based on ACMG/AMP sequence variant interpretation guidelines (Richards et al. 2015 PMID: 25741868, with internal and published modifications).

NM_019841.7(TRPV5):c.2042T>C (p.Leu681Ser)

Gene: TRPV5 (transient receptor potential cation channel subfamily V member 5; minus strand). Cytogenetic location: 7q34.
Variant type: single nucleotide variant.
Coding change: c.2042T>C on transcript NM_019841.7 (MANE Select); coding-DNA position 2042, T replaced by C.
Protein change: p.Leu681Ser; replaces leucine 681 with serine.
Molecular consequence: missense variant.
Genome position (GRCh38, 1-based): chr7:142,908,662, A>G on the plus strand (T>C on the coding strand, the complement: TRPV5 is on the minus strand). VCF-style: chr7-142908662-A-G. GRCh37 (hg19) VCF-style: chr7-142605828-A-G.
Other names: short protein forms L681S.
Identifiers: ClinVar variation 3049158 (VCV003049158.2), dbSNP rs200440258, ClinGen allele CA168205329.